The following is an entry in ClinVar:

ClinVar aggregate classification (germline): Uncertain significance (1 of 4 stars; one submission).

Submission:

GeneDx
Classification: Uncertain significance. Last evaluated: 2023-03-22. Review status: criteria provided, single submitter. Criteria: GeneDx Variant Classification Process June 2021. Collection method: clinical testing. Allele origin: germline. Affected: yes.
Comment: Frameshift variant predicted to result in protein truncation as the last 59 amino acids are replaced with 13 different amino acids, although loss-of-function variants have not been reported downstream of this position in the protein; Not observed at significant frequency in large population cohorts (gnomAD); Has not been previously published as pathogenic or benign to our knowledge

NM_020436.5(SALL4):c.2983del (p.Val995fs)

Gene: SALL4 (spalt like transcription factor 4; minus strand). Cytogenetic location: 20q13.2.
Variant type: Deletion.
Coding change: c.2983del on transcript NM_020436.5 (MANE Select); coding-DNA position 2983, one base deleted (G; older notation c.2983delG).
Protein change: p.Val995fs; shifts the reading frame from valine 995.
Molecular consequence: frameshift variant.
Genome position (GRCh38, 1-based): chr20:51,784,444, C deleted on the plus strand (G on the coding strand, the reverse complement: SALL4 is on the minus strand); the first of 7 consecutive C bases (chr20:51,784,444-51,784,450); deleting any one gives the same sequence. VCF-style (leftmost placement, unchanged base first): chr20-51784443-AC-A. GRCh37 (hg19) VCF-style: chr20-50400982-AC-A.
Other names: c.1672del, p.Val558fs (NM_001318031.2); c.2977delG, p.Val995Phefs (NM_020436.3); short protein forms V558fs, V995fs.
Identifiers: ClinVar variation 2581917 (VCV002581917.1), dbSNP rs753320334, ClinGen allele CA9911954.